The following is an entry in ClinVar:

NM_153460.4(IL17RC):c.1136_1279-108del

Gene: IL17RC (interleukin 17 receptor C; plus strand). Cytogenetic location: 3p25.3.
Variant type: Deletion.
Coding change: c.1136_1279-108del on transcript NM_153460.4 (MANE Select); coding-DNA position 1136 through 108 bases into the intron before coding-DNA position 1279, 416 bases deleted.
Molecular consequence: splice acceptor variant, splice donor variant.
Genome position (GRCh38, 1-based): chr3:9,929,877-9,930,292, 416 bases deleted. GRCh37 (hg19): chr3:9,971,561-9,971,976.
Other names: c.1349_1492-108del (NM_153461.4); c.1136_1279-108del (NM_001203263.2); c.1085_1228-108del (NM_001203264.2); c.1097_1240-108del (NM_001367278.1); c.1091_1234-108del (NM_032732.6, NM_001367280.1); c.1040_1183-108del (NM_001203265.2); c.1016_1159-108del (NM_001367279.1).
Identifiers: ClinVar variation 951575 (VCV000951575.1), dbSNP rs2084489121, ClinGen allele CA1139657858.

ClinVar aggregate classification (germline): Uncertain significance (1 of 4 stars; one submission).

Conditions:
Candidiasis, familial, 9 (CANDF9). Identifiers: Orphanet 1334, MedGen C4225324, MONDO:0014642, OMIM 616445.

Submission:

Labcorp Genetics (formerly Invitae), Labcorp
Classification: Uncertain significance for Candidiasis, familial, 9. Last evaluated: 2019-07-09. Review status: criteria provided, single submitter. Criteria: Invitae Variant Classification Sherloc (09022015). Collection method: clinical testing. Allele origin: germline.
Comment: This variant is a deletion of the genomic region encompassing exon 14 and part of exon 13 (c.1349_1492-108del) of the IL17RC gene. It is expected to disrupt RNA splicing and likely results in an absent or disrupted protein product. This variant has not been reported in the literature in individuals with IL17RC-related conditions. The current clinical and genetic evidence is not sufficient to establish whether loss-of-function variants in IL17RC cause disease. In summary, the available evidence is currently insufficient to determine the role of this variant in disease. Therefore, it has been classified as a Variant of Uncertain Significance.